The following is an entry in ClinVar:

ClinVar aggregate classification (germline): Uncertain significance. Review status: criteria provided, multiple submitters, no conflicts (2 of 4 stars). 2 submissions from 2 submitters: Uncertain significance (2). Last evaluated 2025-03-27.

gnomAD v4.1: 3 of 1,569,054 alleles (0.00019%); highest among the groups gnomAD compares: East Asian, 0.0023%; no homozygotes.

Submissions (2):

Ambry Genetics
Classification: Uncertain significance. Last evaluated: 2025-03-27. Review status: criteria provided, single submitter. Criteria: Ambry Variant Classification Scheme 2023. Collection method: clinical testing. Allele origin: germline.

Labcorp Genetics (formerly Invitae), Labcorp
Classification: Uncertain significance. Last evaluated: 2023-11-17. Review status: criteria provided, single submitter. Criteria: Invitae Variant Classification Sherloc (09022015). Collection method: clinical testing. Allele origin: germline.
Comment: This sequence change replaces glycine, which is neutral and non-polar, with aspartic acid, which is acidic and polar, at codon 449 of the FSCN2 protein (p.Gly449Asp). This variant is not present in population databases (gnomAD no frequency). This variant has not been reported in the literature in individuals affected with FSCN2-related conditions. ClinVar contains an entry for this variant (Variation ID: 1058729). An algorithm developed to predict the effect of missense changes on protein structure and function (PolyPhen-2) suggests that this variant is likely to be disruptive. In summary, the available evidence is currently insufficient to determine the role of this variant in disease. Therefore, it has been classified as a Variant of Uncertain Significance.

NM_012418.4(FSCN2):c.1274G>A (p.Gly425Asp)

Gene: FSCN2 (fascin actin-bundling protein 2, retinal; plus strand). Cytogenetic location: 17q25.3.
Variant type: single nucleotide variant.
Coding change: c.1274G>A on transcript NM_012418.4 (MANE Select); coding-DNA position 1274, G replaced by A.
Protein change: p.Gly425Asp; replaces glycine 425 with aspartic acid.
Molecular consequence: missense variant.
Genome position (GRCh38, 1-based): chr17:81,536,875, G>A. VCF-style: chr17-81536875-G-A. GRCh37 (hg19) VCF-style: chr17-79503901-G-A.
Other names: c.1346G>A, p.Gly449Asp (NM_001077182.3); c.1346G>A (NM_001077182.2); short protein forms G425D, G449D.
Identifiers: ClinVar variation 1058729 (VCV001058729.10), dbSNP rs2143908017, ClinGen allele CA401478359.